The following is an entry in ClinVar:

NM_001134363.3(RBM20):c.1095G>C (p.Gly365=)

Gene: RBM20 (RNA binding motif protein 20; plus strand). Cytogenetic location: 10q25.2.
Variant type: single nucleotide variant.
Coding change: c.1095G>C on transcript NM_001134363.3 (MANE Select); coding-DNA position 1095, G replaced by C.
Protein change: p.Gly365=; no amino-acid change (glycine 365 retained).
Molecular consequence: synonymous variant.
Genome position (GRCh38, 1-based): chr10:110,781,704, G>C. VCF-style: chr10-110781704-G-C. GRCh37 (hg19) VCF-style: chr10-112541462-G-C.
Other names: c.1095G>C (LRG_382t1).
Identifiers: ClinVar variation 514091 (VCV000514091.1), dbSNP rs1554899000, ClinGen allele CA471507331.
Genomic context (GRCh38, chr10:110,781,704, plus strand): 5'-GCCCTATGAGCTGTACGACCCCGAGGAACCAACCTCAGACAGGACACCTCCTTCCTTCGG[G>C]GGTCGGCTTAACAACAGCAAACAGGGTTTTATCGGTGCTGGGCGGAGGGCCAAGGAGGAC-3'
Protein context (NP_001127835.2, residues 355-375): PTSDRTPPSF[Gly365=]GRLNNSKQGF

ClinVar aggregate classification (germline): Likely benign (1 of 4 stars; one submission).

Allele frequency attached by ClinVar (database versions not stated): TOPMed below 0.00001; gnomAD 0.00001; gnomAD exomes 0.00001.
gnomAD v4.1: 9 of 1,550,748 alleles (0.00058%); highest among the groups gnomAD compares: South Asian, 0.0083%; 1 homozygote.

Submission:

GeneDx
Classification: Likely benign. Last evaluated: 2017-12-14. Review status: criteria provided, single submitter. Criteria: GeneDx Variant Classification (06012015). Collection method: clinical testing. Allele origin: germline. Affected: yes.
Comment: This variant is considered likely benign or benign based on one or more of the following criteria: it is a conservative change, it occurs at a poorly conserved position in the protein, it is predicted to be benign by multiple in silico algorithms, and/or has population frequency not consistent with disease.